The following is an entry in ClinVar:

ClinVar aggregate classification (germline): Uncertain significance (1 of 4 stars; one submission).

Conditions:
KIDINS220-related disorder. Also called: KIDINS220-related condition.

gnomAD v4.1: 1 of 1,613,994 alleles (0.000062%); highest among the groups gnomAD compares: Non-Finnish European, 0.000085%; no homozygotes.

Submission:

PreventionGenetics, part of Exact Sciences
Classification: Uncertain significance for KIDINS220-related condition. Last evaluated: 2026-02-25. Review status: criteria provided, single submitter. Criteria: ACMG Guidelines, 2015. Collection method: clinical testing. Allele origin: germline.
Comment: The KIDINS220 c.2537G>A variant is predicted to result in the amino acid substitution p.Ser846Asn. To our knowledge, this variant has not been reported in the literature or in a large population database (gnomAD), indicating this variant is rare. At this time, the clinical significance of this variant is uncertain due to the absence of conclusive functional and genetic evidence.

NM_020738.4(KIDINS220):c.2537G>A (p.Ser846Asn)

Gene: KIDINS220 (kinase D interacting substrate 220; minus strand). Cytogenetic location: 2p25.1.
Variant type: single nucleotide variant.
Coding change: c.2537G>A on transcript NM_020738.4 (MANE Select); coding-DNA position 2537, G replaced by A.
Protein change: p.Ser846Asn; replaces serine 846 with asparagine.
Molecular consequence: missense variant. On other transcripts: non-coding transcript variant (2).
Genome position (GRCh38, 1-based): chr2:8,778,973, C>T on the plus strand (G>A on the coding strand, the complement: KIDINS220 is on the minus strand). VCF-style: chr2-8778973-C-T. GRCh37 (hg19) VCF-style: chr2-8919103-C-T.
Other names: c.2540G>A, p.Ser847Asn (NM_001348729.2, NM_001348731.2, NM_001348734.2 and 3 more transcripts); c.2537G>A, p.Ser846Asn (NM_001348732.2, NM_001348735.2, NM_001348738.2 and 3 more transcripts); c.2411G>A, p.Ser804Asn (NM_001348736.2); short protein forms S804N, S846N, S847N.
Identifiers: ClinVar variation 4982227 (VCV004982227.1).